The following continues an entry in ClinVar:

NM_000180.4(GUCY2D):c.2302C>T (p.Arg768Trp)

Gene: GUCY2D. ClinVar aggregate classification (germline): Pathogenic. Pathogenic (1).

Submissions 8 to 18 of 18:

Victorian Clinical Genetics Services, Murdoch Childrens Research Institute
Classification: Pathogenic for Leber congenital amaurosis 1. Last evaluated: 2022-02-02. Review status: criteria provided, single submitter. Criteria: ACMG Guidelines, 2015. Collection method: clinical testing. Allele origin: germline. Inheritance: Autosomal recessive inheritance. Affected: yes. Not counted in ClinVar's aggregate classification.
Comment: Based on the classification scheme VCGS_Germline_v1.3.4, this variant is classified as Pathogenic. Following criteria are met: 0103 - Loss of function and gain of function are known mechanisms of disease in this gene. Loss of function variants are associated with Leber congenital amaurosis 1 (LCA, MIM#204000) and gain of function variants are associated with Cone-rod dystrophy 6 (MIM#601777). Gain of function variants tend to cluster in the linker domain specifically around p.838 (OMIM, PMIDs: 29061346, 11709018, 11115851). (I) 0108 - This gene is associated with both recessive and dominant disease. Heterozygotes with autosomal dominant disease tend to be less severely affected (OMIM, PMID: 29061346). (I) 0200 - Variant is predicted to result in a missense amino acid change from arginine to tryptophan. (I) 0251 - This variant is heterozygous. (I) 0304 - Variant is present in gnomAD v2 <0.01 for a recessive condition (40 heterozygotes, 0 homozygotes). This variant has been described as a founder mutation in northwest European populations (PMID: 16505055). (SP) 0309 - An alternative amino acid change at the same position has been observed in gnomAD (v2) (2 heterozygotes, 0 homozygotes). (I) 0501 - Missense variant consistently predicted to be damaging by multiple in silico tools or highly conserved with a major amino acid change. (SP) 0600 - Variant is located in the annotated protein tyrosine and serine/threonine kinase domain (DECIPHER). (I) 0704 - Another missense variant comparable to the one identified in this case has limited previous evidence for pathogenicity. The missense variant, p.(Arg768Gln) has been observed in two individuals with LCA (ClinVar). (SP) 0801 - This variant has strong previous evidence of pathogenicity in unrelated individuals. This variant has been observed in greater than ten individuals with LCA in both compound heterozygous and homozygous states (ClinVar, LOVD, PMID: 16505055). (SP) 1208 - Inheritance information for this variant is not currently available in this individual. (I) Legend: (SP) - Supporting pathogenic, (I) - Information, (SB) - Supporting benign

Laboratory of Medical Genetics, National & Kapodistrian University of Athens
Classification: Pathogenic for Leber congenital amaurosis 1. Last evaluated: 2021-10-01. Review status: criteria provided, single submitter. Criteria: ACMG Guidelines, 2015. Collection method: clinical testing. Allele origin: unknown. Affected: yes. Not counted in ClinVar's aggregate classification.
Comment: PS3, PM2, PP1, PP3, PP4, PP5

CeGaT Center for Human Genetics Tuebingen
Classification: Pathogenic. Last evaluated: 2020-03-01. Review status: criteria provided, single submitter. Criteria: CeGaT Center For Human Genetics Tuebingen Variant Classification Criteria Version 2. Collection method: clinical testing. Allele origin: germline. Affected: yes. Observed: 3 variant alleles. Not counted in ClinVar's aggregate classification.

ARUP Laboratories, Molecular Genetics and Genomics, ARUP Laboratories
Classification: Pathogenic. Last evaluated: 2020-01-07. Review status: criteria provided, single submitter. Criteria: ARUP Molecular Germline Variant Investigation Process. Collection method: clinical testing. Allele origin: germline. Not counted in ClinVar's aggregate classification.
Comment: The GUCY2D c.2302C>T; p.Arg768Trp variant (rs61750168) is reported in the medical literature in several individuals and families with retinal disease in both the homozygous and compound heterozygous state (Peshenko 2010, Stunkel 2018, Thompson 2017, Yzer 2006, Zulliger 2015) The variant is reported as pathogenic or likely pathogenic in the ClinVar database (Variation ID: 98563) and is listed in the general population with an allele frequency of 0.014% (40/282,714 alleles) in the Genome Aggregation Database. The arginine at codon 768 is highly conserved, located in the catalytic domain, and computational analyses (SIFT, PolyPhen-2) predict that this variant is deleterious. In support of this prediction, this variant is defective in functional studies (Jacobsen 2013, Zulliger 2015). Considering available information, this variant is classified as pathogenic. References: Jacobson SG et al. Determining consequences of retinal membrane guanylyl cyclase (RetGC1) deficiency in human Leber congenital amaurosis en route to therapy: residual cone-photoreceptor vision correlates with biochemical properties of the mutants. Hum Mol Genet. 2013 Jan 1;22(1):168-83. Peshenko IV et al. Activation of retinal guanylyl cyclase RetGC1 by GCAP1: stoichiometry of binding and effect of new LCA-related mutations. Biochemistry. 2010 Feb 2;49(4):709-17. Stunkel ML et al. Expanded Retinal Disease Spectrum Associated With Autosomal Recessive Mutations in GUCY2D. Am J Ophthalmol. 2018 Jun;190:58-68. Thompson JA et al. The genetic profile of Leber congenital amaurosis in an Australian cohort. Mol Genet Genomic Med. 2017 Nov;5(6):652-667. Yzer S et al. Microarray-based mutation detection and phenotypic characterization of patients with Leber congenital amaurosis. Invest Ophthalmol Vis Sci. 2006 Mar;47(3):1167-76. Zulliger R et al. Impaired association of retinal degeneration-3 with guanylate cyclase-1 and guanylate cyclase-activating protein-1 leads to leber congenital amaurosis-1. J Biol Chem. 2015 Feb 6;290(6):3488-99.

Institute of Human Genetics, Univ. Regensburg, Univ. Regensburg
Classification: Pathogenic for Retinal dystrophy. Last evaluated: 2020-01-01. Review status: criteria provided, single submitter. Criteria: ACMG Guidelines, 2015. Collection method: clinical testing. Allele origin: germline. Affected: yes. Not counted in ClinVar's aggregate classification.

PreventionGenetics, part of Exact Sciences
Classification: Pathogenic for GUCY2D-related condition. Last evaluated: 2024-09-18. Review status: no assertion criteria provided. Collection method: clinical testing. Allele origin: germline. Not counted in ClinVar's aggregate classification.
Comment: The GUCY2D c.2302C>T variant is predicted to result in the amino acid substitution p.Arg768Trp. This variant has been reported in the homozygous and compound heterozygous states in multiple individuals with Leber congenital amaurosis type 1 (LCA1) (for example, see Jacobson et al. 2013. PubMed ID: 23035049; Thompson et al. 2017. PubMed ID: 29178642; Stunkel et al. 2018. PubMed ID: 29559409). This variant has also been shown to co-segregate with disease in a Polish family (Skorczyk-Werner et al. 2022. PubMed ID: 36369640). In vitro functional studies have demonstrated that the p.Arg768Trp variant disrupts protein-protein interactions required for protein activation and proper intracellular localization, leading to a complete loss of function (Peshenko et al. 2010. PubMed ID: 20050595; Jacobson et al. 2013. PubMed ID: 23035049; Zulliger et al. 2015. PubMed ID: 25477517; Peshenko et al. 2020. PubMed ID: 33109612). This variant is reported in 0.029% of alleles in individuals of European (Non-Finnish) descent in gnomAD. Of note, a different missense variant at the same amino acid position (p.Arg768Gln) has also been reported as disease-causing in LCA1 patients (Wiszniewski et al. 2011. PubMed ID: 21153841; Wang et al. 2015. PubMed ID: 26047050; Sharon et al. 2019. PubMed ID: 31456290). Taken together, the p.Arg768Trp variant is interpreted as pathogenic.

OMIM
Classification: Pathogenic for LEBER CONGENITAL AMAUROSIS 1. Last evaluated: 2019-09-03. Review status: no assertion criteria provided. Collection method: literature only. Allele origin: germline. Not counted in ClinVar's aggregate classification.

OMIM
Classification: Pathogenic for NIGHT BLINDNESS, CONGENITAL STATIONARY, TYPE 1I. Last evaluated: 2019-09-03. Review status: no assertion criteria provided. Collection method: literature only. Allele origin: germline. Not counted in ClinVar's aggregate classification.

Department of Clinical Genetics, Copenhagen University Hospital, Rigshospitalet
Classification: Likely pathogenic for Leber congenital amaurosis. Last evaluated: 2018-04-01. Review status: no assertion criteria provided. Collection method: research. Allele origin: unknown. Affected: yes. Study: VeluxRD. Not counted in ClinVar's aggregate classification.

Laboratory of Genetics in Ophthalmology, Institut Imagine
Classification: Pathogenic for Leber congenital amaurosis 1. Review status: no assertion criteria provided. Collection method: research. Allele origin: inherited. Affected: yes. Observed: 6 variant alleles. Not counted in ClinVar's aggregate classification.

Retina International
No classification provided. Review status: no classification provided. Collection method: not provided. Allele origin: unknown. Not counted in ClinVar's aggregate classification.

Literature cited by the submitters: PubMed 16505055 (cited by 3 submitters); PubMed 17724218 (cited by Labcorp Genetics (formerly Invitae), Labcorp); PubMed 23035049 (cited by Labcorp Genetics (formerly Invitae), Labcorp and OMIM); PubMed 26253563 (cited by Labcorp Genetics (formerly Invitae), Labcorp); PubMed 26626312 (cited by Labcorp Genetics (formerly Invitae), Labcorp); PubMed 20050595 (cited by Labcorp Genetics (formerly Invitae), Labcorp and Institute of Human Genetics, Univ. Regensburg, Univ. Regensburg); PubMed 25477517 (cited by Labcorp Genetics (formerly Invitae), Labcorp and Institute of Human Genetics, Univ. Regensburg, Univ. Regensburg); PubMed 11115851 (cited by Victorian Clinical Genetics Services, Murdoch Childrens Research Institute); PubMed 11709018 (cited by Victorian Clinical Genetics Services, Murdoch Childrens Research Institute); PubMed 29061346 (cited by Victorian Clinical Genetics Services, Murdoch Childrens Research Institute and OMIM); PubMed 34008892 (cited by Laboratory of Medical Genetics, National & Kapodistrian University of Athens and Institute of Human Genetics, Univ. Regensburg, Univ. Regensburg); PubMed 10766140 (cited by Institute of Human Genetics, Univ. Regensburg, Univ. Regensburg and Laboratory of Genetics in Ophthalmology, Institut Imagine); PubMed 29178642 (cited by Institute of Human Genetics, Univ. Regensburg, Univ. Regensburg); PubMed 29559409 (cited by Institute of Human Genetics, Univ. Regensburg, Univ. Regensburg and OMIM); PubMed 31589614 (cited by Institute of Human Genetics, Univ. Regensburg, Univ. Regensburg); PubMed 31964843 (cited by Institute of Human Genetics, Univ. Regensburg, Univ. Regensburg); PubMed 31429209 (cited by Institute of Human Genetics, Univ. Regensburg, Univ. Regensburg); PubMed 33109612 (cited by Institute of Human Genetics, Univ. Regensburg, Univ. Regensburg); PubMed 32865313 (cited by Institute of Human Genetics, Univ. Regensburg, Univ. Regensburg); PubMed 31816670 (cited by Institute of Human Genetics, Univ. Regensburg, Univ. Regensburg); PubMed 34426522 (cited by Institute of Human Genetics, Univ. Regensburg, Univ. Regensburg); PubMed 34048777 (cited by Institute of Human Genetics, Univ. Regensburg, Univ. Regensburg); PubMed 36460718 (cited by Institute of Human Genetics, Univ. Regensburg, Univ. Regensburg); PubMed 35836572 (cited by Institute of Human Genetics, Univ. Regensburg, Univ. Regensburg); PubMed 36369640 (cited by Institute of Human Genetics, Univ. Regensburg, Univ. Regensburg); PubMed 30718709 (cited by Department of Clinical Genetics, Copenhagen University Hospital, Rigshospitalet).